The following is an entry in ClinVar:

ClinVar aggregate classification (germline): Uncertain significance. Review status: criteria provided, multiple submitters, no conflicts (2 of 4 stars). 6 submissions from 6 submitters: Uncertain significance (6). Last evaluated 2024-11-28.

Conditions:
Muscular dystrophy-dystroglycanopathy (congenital with impaired intellectual development), type B, 2. Also called: Muscular dystrophy-dystroglycanopathy (congenital with intellectual disability), type B2; MUSCULAR DYSTROPHY, CONGENITAL, POMT2-RELATED. Identifiers: MedGen C3150416, MONDO:0013160, OMIM 613156.
Autosomal recessive limb-girdle muscular dystrophy type 2N. Also called: Muscular dystrophy-dystroglycanopathy (limb-girdle), type C, 2; MUSCULAR DYSTROPHY-DYSTROGLYCANOPATHY, LIMB-GIRDLE, POMT2-RELATED. Identifiers: Orphanet 206559, MedGen C3150418, MONDO:0013162, OMIM 613158.
Muscular dystrophy-dystroglycanopathy (congenital with brain and eye anomalies), type A2. Also called: MUSCULAR DYSTROPHY-DYSTROGLYCANOPATHY (CONGENITAL WITH BRAIN AND EYE ANOMALIES), TYPE A, 2; WALKER-WARBURG SYNDROME OR MUSCLE-EYE-BRAIN DISEASE, POMT2-RELATED. Identifiers: Orphanet 588, Orphanet 899, MedGen C3150411, MONDO:0013154, OMIM 613150.

Allele frequency attached by ClinVar (database versions not stated): gnomAD 0.00004; TOPMed 0.00008; ExAC 0.00002; gnomAD exomes 0.00004 and 0.00009.
gnomAD v4.1: 142 of 1,613,896 alleles (0.0088%); highest among the groups gnomAD compares: Middle Eastern, 0.016%; no homozygotes.

Submissions (6):

Labcorp Genetics (formerly Invitae), Labcorp
Classification: Uncertain significance for Muscular dystrophy-dystroglycanopathy (congenital with impaired intellectual development), type B, 2; Muscular dystrophy-dystroglycanopathy (congenital with brain and eye anomalies), type A2; Autosomal recessive limb-girdle muscular dystrophy type 2N. Last evaluated: 2024-11-28. Review status: criteria provided, single submitter. Criteria: Invitae Variant Classification Sherloc (09022015). Collection method: clinical testing. Allele origin: germline.
Comment: This sequence change affects codon 595 of the POMT2 mRNA. It is a 'silent' change, meaning that it does not change the encoded amino acid sequence of the POMT2 protein. This variant also falls at the last nucleotide of exon 17, which is part of the consensus splice site for this exon. This variant is present in population databases (rs202237807, gnomAD 0.007%). This variant has not been reported in the literature in individuals affected with POMT2-related conditions. ClinVar contains an entry for this variant (Variation ID: 546745). Variants that disrupt the consensus splice site are a relatively common cause of aberrant splicing (PMID: 17576681, 9536098). Algorithms developed to predict the effect of sequence changes on RNA splicing suggest that this variant may disrupt the consensus splice site. In summary, the available evidence is currently insufficient to determine the role of this variant in disease. Therefore, it has been classified as a Variant of Uncertain Significance.

Blueprint Genetics
Classification: Uncertain significance. Last evaluated: 2023-03-08. Review status: criteria provided, single submitter. Criteria: ACMG Guidelines, 2015. Collection method: clinical testing. Allele origin: germline.

Women's Health and Genetics/Laboratory Corporation of America, LabCorp
Classification: Uncertain significance. Last evaluated: 2022-12-30. Review status: criteria provided, single submitter. Criteria: LabCorp Variant Classification Summary - May 2015. Collection method: clinical testing. Allele origin: germline.
Comment: Variant summary: POMT2 c.1785G>A (p.Pro595Pro) alters a non-conserved nucleotide, which is the last nucleotide of exon 17, and therefore could affect mRNA splicing, leading to a significantly altered protein sequence: 3/4 computational tools predict this variant weakens the 5' donor site, while 1 predicts no impact, but these predictions have not been confirmed by functional assays. The variant allele was found at a frequency of 3.6e-05 in 250750 control chromosomes (gnomAD). The available data on variant occurrences in the general population are insufficient to allow any conclusion about variant significance. To our knowledge, no occurrence of c.1785G>A in individuals affected with Limb-Girdle Muscular Dystrophy, Autosomal Recessive and no experimental evidence demonstrating its impact on protein function have been reported. Four submitters have provided clinical-significance assessments for this variant to ClinVar after 2014, and all laboratories classified the variant as uncertain significance. Based on the evidence outlined above, the variant was classified as uncertain significance.

GeneDx
Classification: Uncertain significance. Last evaluated: 2022-11-30. Review status: criteria provided, single submitter. Criteria: GeneDx Variant Classification Process June 2021. Collection method: clinical testing. Allele origin: germline. Affected: yes.
Comment: Not observed at a significant frequency in large population cohorts (gnomAD); In silico analysis supports a deleterious effect on splicing; Has not been previously published as pathogenic or benign to our knowledge

Eurofins Ntd Llc (ga)
Classification: Uncertain significance. Last evaluated: 2018-05-07. Review status: criteria provided, single submitter. Criteria: EGL ClinVar v180209 classification definitions. Collection method: clinical testing. Allele origin: germline. Observed: 1 variant allele, 1 heterozygote.

CeGaT Center for Human Genetics Tuebingen
Classification: Uncertain significance. Last evaluated: 2018-01-01. Review status: criteria provided, single submitter. Criteria: CeGaT Center For Human Genetics Tuebingen Variant Classification Criteria Version 2. Collection method: clinical testing. Allele origin: germline. Affected: yes. Observed: 1 variant allele.

Literature cited by the submitters: PubMed 17576681 (cited by Labcorp Genetics (formerly Invitae), Labcorp); PubMed 9536098 (cited by Labcorp Genetics (formerly Invitae), Labcorp).

NM_013382.7(POMT2):c.1785G>A (p.Pro595=)

Gene: POMT2 (protein O-mannosyltransferase 2; minus strand). Cytogenetic location: 14q24.3.
Variant type: single nucleotide variant.
Coding change: c.1785G>A on transcript NM_013382.7 (MANE Select); coding-DNA position 1785, G replaced by A.
Protein change: p.Pro595=; no amino-acid change (proline 595 retained).
Molecular consequence: synonymous variant.
Genome position (GRCh38, 1-based): chr14:77,280,021, C>T on the plus strand (G>A on the coding strand, the complement: POMT2 is on the minus strand). VCF-style: chr14-77280021-C-T. GRCh37 (hg19) VCF-style: chr14-77746364-C-T.
Identifiers: ClinVar variation 546745 (VCV000546745.56), dbSNP rs202237807, ClinGen allele CA7285716.